The following is an entry in ClinVar:

NM_003072.5(SMARCA4):c.4577A>G (p.Glu1526Gly)

Gene: SMARCA4 (SWI/SNF related BAF chromatin remodeling complex subunit ATPase 4; plus strand). Cytogenetic location: 19p13.2.
Variant type: single nucleotide variant.
Coding change: c.4577A>G on transcript NM_003072.5 (MANE Select); coding-DNA position 4577, A replaced by G.
Protein change: p.Glu1526Gly; replaces glutamic acid 1526 with glycine.
Molecular consequence: missense variant. On other transcripts: non-coding transcript variant (1).
Genome position (GRCh38, 1-based): chr19:11,058,831, A>G. VCF-style: chr19-11058831-A-G. GRCh37 (hg19) VCF-style: chr19-11169507-A-G.
Other names: c.4577A>G, p.Glu1526Gly (NM_001128844.3); c.4487A>G, p.Glu1496Gly (NM_001128845.2); c.4484A>G, p.Glu1495Gly (NM_001128846.2); c.4478A>G, p.Glu1493Gly (NM_001128847.4, NM_001374457.1); c.4475A>G, p.Glu1492Gly (NM_001128848.2); c.4673A>G, p.Glu1558Gly (NM_001128849.3, NM_001387283.1); c.4574A>G, p.Glu1525Gly (NM_001411150.1); c.4673A>G (NM_001128849.1); short protein forms E1493G, E1495G, E1492G, E1496G, E1526G, E1558G, E1525G.
Identifiers: ClinVar variation 2118288 (VCV002118288.5), dbSNP rs2147097798, ClinGen allele CA404078865.

ClinVar aggregate classification (germline): Uncertain significance. Review status: criteria provided, multiple submitters, no conflicts (2 of 4 stars). 2 submissions from 2 submitters: Uncertain significance (2). Last evaluated 2026-07-07.

Conditions:
Hereditary cancer-predisposing syndrome. Also called: Tumor predisposition; Hereditary Cancer Syndrome; Hereditary neoplastic syndrome; Neoplastic Syndromes, Hereditary. Identifiers: Orphanet 140162, MedGen C0027672, MeSH D009386, MONDO:0015356.
Rhabdoid tumor predisposition syndrome 2 (RTPS2). Identifiers: Orphanet 231108, Orphanet 69077, MedGen C2750074, MONDO:0013224, OMIM 613325.

Submissions (2):

Ambry Genetics
Classification: Uncertain significance for Hereditary cancer-predisposing syndrome. Last evaluated: 2026-07-07. Review status: criteria provided, single submitter. Criteria: Ambry Variant Classification Scheme 2023. Collection method: clinical testing. Allele origin: germline.
Comment: The p.E1558G variant (also known as c.4673A>G), located in coding exon 32 of the SMARCA4 gene, results from an A to G substitution at nucleotide position 4673. The glutamic acid at codon 1558 is replaced by glycine, an amino acid with similar properties. This amino acid position is conserved. In addition, this alteration is predicted to be deleterious by in silico analysis. Based on the available evidence, the clinical significance of this variant remains unclear.

Labcorp Genetics (formerly Invitae), Labcorp
Classification: Uncertain significance for Rhabdoid tumor predisposition syndrome 2. Last evaluated: 2024-04-23. Review status: criteria provided, single submitter. Criteria: Invitae Variant Classification Sherloc (09022015). Collection method: clinical testing. Allele origin: germline.
Comment: This sequence change replaces glutamic acid, which is acidic and polar, with glycine, which is neutral and non-polar, at codon 1558 of the SMARCA4 protein (p.Glu1558Gly). This variant is not present in population databases (gnomAD no frequency). This variant has not been reported in the literature in individuals affected with SMARCA4-related conditions. ClinVar contains an entry for this variant (Variation ID: 2118288). Advanced modeling of protein sequence and biophysical properties (such as structural, functional, and spatial information, amino acid conservation, physicochemical variation, residue mobility, and thermodynamic stability) has been performed at Invitae for this missense variant, however the output from this modeling did not meet the statistical confidence thresholds required to predict the impact of this variant on SMARCA4 protein function. In summary, the available evidence is currently insufficient to determine the role of this variant in disease. Therefore, it has been classified as a Variant of Uncertain Significance.